The following is an entry in ClinVar:

NM_002335.4(LRP5):c.1315C>T (p.Arg439Cys)

Gene: LRP5 (LDL receptor related protein 5; plus strand). Cytogenetic location: 11q13.2.
Variant type: single nucleotide variant.
Coding change: c.1315C>T on transcript NM_002335.4 (MANE Select); coding-DNA position 1315, C replaced by T.
Protein change: p.Arg439Cys; replaces arginine 439 with cysteine.
Molecular consequence: missense variant. On other transcripts: 5 prime UTR variant (1).
Genome position (GRCh38, 1-based): chr11:68,386,615, C>T. VCF-style: chr11-68386615-C-T. GRCh37 (hg19) VCF-style: chr11-68154083-C-T.
Other names: c.-451C>T (NM_001291902.2); short protein forms R439C.
Identifiers: ClinVar variation 1053130 (VCV001053130.11), dbSNP rs1218658711, ClinGen allele CA381612691.

ClinVar aggregate classification (germline): Uncertain significance. Review status: criteria provided, multiple submitters, no conflicts (2 of 4 stars). 3 submissions from 3 submitters: Uncertain significance (3). Last evaluated 2024-11-18.

Conditions:
Bone mineral density quantitative trait locus 1 (BMND1). Identifiers: MedGen C1866079, OMIM 601884.
Worth disease. Also called: ENDOSTEAL HYPEROSTOSIS, AUTOSOMAL DOMINANT; OSTEOSCLEROSIS, AUTOSOMAL DOMINANT; Autosomal dominant osteosclerosis, Worth type. Identifiers: Orphanet 2790, MedGen C0432273, MONDO:0007764, OMIM 144750.
Exudative vitreoretinopathy 4 (EVR4). Identifiers: Orphanet 891, MedGen C1866176, MONDO:0011151, OMIM 601813.
Polycystic liver disease 4 with or without kidney cysts. Identifiers: MedGen C4693479, MONDO:0044327, OMIM 617875.
Autosomal dominant osteopetrosis 1 (OPTA1). Also called: OSTEOPETROSIS, AUTOSOMAL DOMINANT, TYPE I. Identifiers: Orphanet 2783, MedGen C1843330, MONDO:0011877, OMIM 607634.
Osteoporosis with pseudoglioma (OPPG). Also called: osteoporosis-pseudoglioma syndrome. Identifiers: Orphanet 2788, MedGen C0432252, MONDO:0009820, OMIM 259770.

Allele frequency attached by ClinVar (database versions not stated): TOPMed below 0.00001; gnomAD 0.00001; gnomAD exomes 0.00001 and 0.00002.
gnomAD v4.1: 16 of 1,613,534 alleles (0.00099%); highest among the groups gnomAD compares: Admixed American, 0.0083%; no homozygotes.

Submissions (3):

Labcorp Genetics (formerly Invitae), Labcorp
Classification: Uncertain significance. Last evaluated: 2024-11-18. Review status: criteria provided, single submitter. Criteria: Invitae Variant Classification Sherloc (09022015). Collection method: clinical testing. Allele origin: germline.
Comment: This sequence change replaces arginine, which is basic and polar, with cysteine, which is neutral and slightly polar, at codon 439 of the LRP5 protein (p.Arg439Cys). This variant is present in population databases (no rsID available, gnomAD 0.009%). This variant has not been reported in the literature in individuals affected with LRP5-related conditions. ClinVar contains an entry for this variant (Variation ID: 1053130). Invitae Evidence Modeling of protein sequence and biophysical properties (such as structural, functional, and spatial information, amino acid conservation, physicochemical variation, residue mobility, and thermodynamic stability) indicates that this missense variant is expected to disrupt LRP5 protein function with a positive predictive value of 95%. In summary, the available evidence is currently insufficient to determine the role of this variant in disease. Therefore, it has been classified as a Variant of Uncertain Significance.

Fulgent Genetics
Classification: Uncertain significance for Worth disease; Osteoporosis with pseudoglioma; Exudative vitreoretinopathy 4; Bone mineral density quantitative trait locus 1; Autosomal dominant osteopetrosis 1; Polycystic liver disease 4 with or without kidney cysts. Last evaluated: 2024-02-25. Review status: criteria provided, single submitter. Criteria: ACMG Guidelines, 2015. Collection method: clinical testing. Allele origin: germline.

GeneDx
Classification: Uncertain significance. Last evaluated: 2022-04-06. Review status: criteria provided, single submitter. Criteria: GeneDx Variant Classification Process June 2021. Collection method: clinical testing. Allele origin: germline. Affected: yes.
Comment: In silico analysis supports that this missense variant has a deleterious effect on protein structure/function; Has not been previously published as pathogenic or benign to our knowledge